The following is an entry in ClinVar:

NM_018979.4(WNK1):c.5366C>G (p.Ser1789Cys)

Gene: WNK1 (WNK lysine deficient protein kinase 1; plus strand). Cytogenetic location: 12p13.33.
Variant type: single nucleotide variant.
Coding change: c.5366C>G on transcript NM_018979.4 (MANE Select); coding-DNA position 5366, C replaced by G.
Protein change: p.Ser1789Cys; replaces serine 1789 with cysteine.
Molecular consequence: missense variant.
Genome position (GRCh38, 1-based): chr12:889,141, C>G. VCF-style: chr12-889141-C-G. GRCh37 (hg19) VCF-style: chr12-998307-C-G.
Other names: c.6146C>G, p.Ser2049Cys (NM_001184985.2); c.4625C>G, p.Ser1542Cys (NM_014823.3); c.6122C>G, p.Ser2041Cys (NM_213655.5); short protein forms S2041C, S1542C, S2049C, S1789C.
Identifiers: ClinVar variation 2941740 (VCV002941740.3), dbSNP rs2497249000, ClinGen allele CA383333175.

ClinVar aggregate classification (germline): Uncertain significance (1 of 4 stars; one submission).

Conditions:
Neuropathy, hereditary sensory and autonomic, type 2A (HSAN2A). Also called: ACROOSTEOLYSIS, GIACCAI TYPE; ACROOSTEOLYSIS, NEUROGENIC; MORVAN DISEASE; NEUROPATHY, CONGENITAL SENSORY; NEUROPATHY, HEREDITARY SENSORY RADICULAR, AUTOSOMAL RECESSIVE; NEUROPATHY, HEREDITARY SENSORY, TYPE IIA. Identifiers: Orphanet 970, MedGen C2752089, MONDO:0024309, OMIM 201300.
Pseudohypoaldosteronism type 2C (PHA2C). Also called: Pseudohypoaldosteronism Type IIC. Identifiers: Orphanet 757, Orphanet 88940, MedGen C1840391, MONDO:0013778, OMIM 614492.

gnomAD v4.1: 2 of 1,613,908 alleles (0.00012%); highest among the groups gnomAD compares: Non-Finnish European, 0.000085%; no homozygotes.

Submission:

Labcorp Genetics (formerly Invitae), Labcorp
Classification: Uncertain significance for Neuropathy, hereditary sensory and autonomic, type 2A; Pseudohypoaldosteronism type 2C. Last evaluated: 2023-02-22. Review status: criteria provided, single submitter. Criteria: Invitae Variant Classification Sherloc (09022015). Collection method: clinical testing. Allele origin: germline.
Comment: This variant has not been reported in the literature in individuals affected with WNK1-related conditions. This variant is not present in population databases (gnomAD no frequency). This sequence change replaces serine, which is neutral and polar, with cysteine, which is neutral and slightly polar, at codon 2041 of the WNK1 protein (p.Ser2041Cys). In summary, the available evidence is currently insufficient to determine the role of this variant in disease. Therefore, it has been classified as a Variant of Uncertain Significance. Experimental studies and prediction algorithms are not available or were not evaluated, and the functional significance of this variant is currently unknown.